The following is an entry in ClinVar:

ClinVar aggregate classification (somatic clinical impact): Tier I - Strong (1 of 4 stars; one submission).

Conditions:
Medulloblastoma WNT activated. Identifiers: MedGen C4331965, MONDO:0850196.

Submission:

Institute for Genomic Medicine (IGM) Clinical Laboratory, Nationwide Children's Hospital
Classification: Tier I - Strong for Medulloblastoma WNT activated. Assertion type: diagnostic. Clinical significance: supports diagnosis. Last evaluated: 2023-07-11. Review status: criteria provided, single submitter. Criteria: AMP/ASCO/CAP Guidelines, 2017. Collection method: clinical testing. Allele origin: somatic. Affected: yes.
Comment: Variant has Tier I (strong) clinical significance as a diagnostic inclusion criterion in medulloblastoma WNT activated, based on the following evidence: 1) Documented in one or more cancer databases (e.g., St. Jude Pecan, COSMIC, CIViC, OncoKB). 2) Appears in one or more well-established professional guidelines (e.g., World Health Organization [WHO]; National Comprehensive Cancer Network [NCCN]) as providing diagnostic, prognostic, or therapeutic information. 3) Diagnostic for a specific tumor type/classification based on well-powered studies with expert-level consensus (Evidence Level B; PMIDs: 21163964, 28726821, 22820256, 22832583, 22722829).

Literature cited by the submitters: PubMed 21163964; PubMed 28726821; PubMed 22820256; PubMed 22832583; PubMed 22722829.

NM_003072.5(SMARCA4):c.3574C>G (p.Arg1192Gly)

Gene: SMARCA4 (SWI/SNF related BAF chromatin remodeling complex subunit ATPase 4; plus strand). Cytogenetic location: 19p13.2.
Variant type: single nucleotide variant.
Coding change: c.3574C>G on transcript NM_003072.5 (MANE Select); coding-DNA position 3574, C replaced by G.
Protein change: p.Arg1192Gly; replaces arginine 1192 with glycine.
Molecular consequence: missense variant. On other transcripts: non-coding transcript variant (1).
Genome position (GRCh38, 1-based): chr19:11,033,317, C>G. VCF-style: chr19-11033317-C-G. GRCh37 (hg19) VCF-style: chr19-11143993-C-G.
Other names: c.3574C>G, p.Arg1192Gly (NM_001128844.3, NM_001128845.2, NM_001128846.2 and 6 more transcripts); short protein forms R1192G.
Identifiers: ClinVar variation 4530269 (VCV004530269.1).